The following is an entry in ClinVar:

ClinVar aggregate classification (germline): Likely benign. Review status: criteria provided, multiple submitters, no conflicts (2 of 4 stars). 2 submissions from 2 submitters: Likely benign (2). Last evaluated 2025-08-05.

Conditions:
CD164-related disorder. Also called: CD164-related condition.

Allele frequency attached by ClinVar (database versions not stated): gnomAD 0.00001 and 0.00005; TOPMed 0.00005; gnomAD exomes 0.00013; ExAC 0.00019; 1000 Genomes Project 30x 0.00047; 1000 Genomes Project 0.00060.

Submissions (2):

PreventionGenetics, part of Exact Sciences
Classification: Likely benign for CD164-related condition. Last evaluated: 2025-08-05. Review status: criteria provided, single submitter. Criteria: ACMG Guidelines, 2015. Collection method: clinical testing. Allele origin: germline.
Comment: This variant is classified as likely benign based on ACMG/AMP sequence variant interpretation guidelines (Richards et al. 2015 PMID: 25741868, with internal and published modifications).

Labcorp Genetics (formerly Invitae), Labcorp
Classification: Likely benign. Last evaluated: 2024-11-05. Review status: criteria provided, single submitter. Criteria: Invitae Variant Classification Sherloc (09022015). Collection method: clinical testing. Allele origin: germline.

NM_006016.6(CD164):c.190C>G (p.Arg64Gly)

Gene: CD164 (CD164 molecule; minus strand). Cytogenetic location: 6q21.
Variant type: single nucleotide variant.
Coding change: c.190C>G on transcript NM_006016.6 (MANE Select); coding-DNA position 190, C replaced by G.
Protein change: p.Arg64Gly; replaces arginine 64 with glycine.
Molecular consequence: missense variant.
Genome position (GRCh38, 1-based): chr6:109,379,648, G>C on the plus strand (C>G on the coding strand, the complement: CD164 is on the minus strand). VCF-style: chr6-109379648-G-C. GRCh37 (hg19) VCF-style: chr6-109700851-G-C.
Other names: c.190C>G, p.Arg64Gly (NM_001142401.3, NM_001142402.3, NM_001142403.3 and 1 more transcripts); c.88C>G, p.Arg30Gly (NM_001346500.2); c.190C>G (NM_006016.5); short protein forms R30G, R64G.
Identifiers: ClinVar variation 1595196 (VCV001595196.9), dbSNP rs191386841, ClinGen allele CA3951657.
Genomic context (GRCh38, chr6:109,379,648, plus strand): 5'-CTATCCAAAAGCAGGTAGTATTAACAACGCTAACATTAAAACAGGAAACGCAGCTGTTTC[G>C]ACCTTCACAGGTTTCTGGGGAGTTGGGGGGAGAGATGCATGAAATCAATGATTTTATTAG-3'
Protein context (NP_006007.2, residues 54-74): TTPAPETCEG[Arg64Gly]NSCVSCFNVS